The following is an entry in ClinVar:

NM_181507.2(HPS5):c.3017T>C (p.Ile1006Thr)

Gene: HPS5 (HPS5 biogenesis of lysosomal organelles complex 2 subunit 2; minus strand). Cytogenetic location: 11p15.1.
Variant type: single nucleotide variant.
Coding change: c.3017T>C on transcript NM_181507.2 (MANE Select); coding-DNA position 3017, T replaced by C.
Protein change: p.Ile1006Thr; replaces isoleucine 1006 with threonine.
Molecular consequence: missense variant.
Genome position (GRCh38, 1-based): chr11:18,283,836, A>G on the plus strand (T>C on the coding strand, the complement: HPS5 is on the minus strand). VCF-style: chr11-18283836-A-G. GRCh37 (hg19) VCF-style: chr11-18305383-A-G.
Other names: c.2675T>C, p.Ile892Thr (NM_007216.4, NM_181508.2); short protein forms I892T, I1006T.
Identifiers: ClinVar variation 1474243 (VCV001474243.8), dbSNP rs765515709, ClinGen allele CA5909675.

ClinVar aggregate classification (germline): Uncertain significance (1 of 4 stars; one submission).

Allele frequency attached by ClinVar (database versions not stated): gnomAD exomes below 0.00001 and 0.00001; gnomAD 0.00001; ExAC 0.00002.

Submission:

Labcorp Genetics (formerly Invitae), Labcorp
Classification: Uncertain significance. Last evaluated: 2021-06-16. Review status: criteria provided, single submitter. Criteria: Invitae Variant Classification Sherloc (09022015). Collection method: clinical testing. Allele origin: germline.
Comment: This variant has not been reported in the literature in individuals with HPS5-related conditions. In summary, the available evidence is currently insufficient to determine the role of this variant in disease. Therefore, it has been classified as a Variant of Uncertain Significance. Algorithms developed to predict the effect of missense changes on protein structure and function are either unavailable or do not agree on the potential impact of this missense change (SIFT: "Tolerated"; PolyPhen-2: "Probably Damaging"; Align-GVGD: "Class C0"). This variant is present in population databases (rs765515709, ExAC 0.01%). This sequence change replaces isoleucine with threonine at codon 1006 of the HPS5 protein (p.Ile1006Thr). The isoleucine residue is highly conserved and there is a moderate physicochemical difference between isoleucine and threonine.